The following is an entry in ClinVar:

NM_001113378.2(FANCI):c.290C>T (p.Ala97Val)

Gene: FANCI (FA complementation group I; plus strand). Cytogenetic location: 15q26.1.
Variant type: single nucleotide variant.
Coding change: c.290C>T on transcript NM_001113378.2 (MANE Select); coding-DNA position 290, C replaced by T.
Protein change: p.Ala97Val; replaces alanine 97 with valine.
Molecular consequence: missense variant.
Genome position (GRCh38, 1-based): chr15:89,261,586, C>T. VCF-style: chr15-89261586-C-T. GRCh37 (hg19) VCF-style: chr15-89804817-C-T.
Other names: c.11C>T, p.Ala4Val (NM_001376910.1); c.290C>T, p.Ala97Val (NM_001376911.1, NM_018193.3); short protein forms A97V, A4V.
Identifiers: ClinVar variation 456214 (VCV000456214.8), dbSNP rs1555442676, ClinGen allele CA393738158.

ClinVar aggregate classification (germline): Uncertain significance (1 of 4 stars; one submission).

Conditions:
Fanconi anemia (FA). Also called: Fanconi's anemia. Identifiers: Orphanet 84, MedGen C0015625, MeSH D005199, MONDO:0019391.

Allele frequency attached by ClinVar (database versions not stated): gnomAD 0.00001; TOPMed below 0.00001.
gnomAD v4.1: 4 of 1,613,946 alleles (0.00025%); highest among the groups gnomAD compares: Non-Finnish European, 0.00034%; no homozygotes.

Submission:

Labcorp Genetics (formerly Invitae), Labcorp
Classification: Uncertain significance for Fanconi anemia. Last evaluated: 2024-11-04. Review status: criteria provided, single submitter. Criteria: Invitae Variant Classification Sherloc (09022015). Collection method: clinical testing. Allele origin: germline.
Comment: This sequence change replaces alanine, which is neutral and non-polar, with valine, which is neutral and non-polar, at codon 97 of the FANCI protein (p.Ala97Val). This variant is not present in population databases (gnomAD no frequency). This variant has not been reported in the literature in individuals affected with FANCI-related conditions. ClinVar contains an entry for this variant (Variation ID: 456214). An algorithm developed to predict the effect of missense changes on protein structure and function outputs the following: PolyPhen-2: "Benign". The valine amino acid residue is found in multiple mammalian species, which suggests that this missense change does not adversely affect protein function. In summary, the available evidence is currently insufficient to determine the role of this variant in disease. Therefore, it has been classified as a Variant of Uncertain Significance.